The following is an entry in ClinVar:

ClinVar aggregate classification (germline): Uncertain significance (1 of 4 stars; one submission).

Submission:

Ambry Genetics
Classification: Uncertain significance. Last evaluated: 2024-09-15. Review status: criteria provided, single submitter. Criteria: Ambry Variant Classification Scheme 2023. Collection method: clinical testing. Allele origin: germline.
Comment: The p.A103D variant (also known as c.308C>A), located in coding exon 1 of the EGLN1 gene, results from a C to A substitution at nucleotide position 308. The alanine at codon 103 is replaced by aspartic acid, an amino acid with dissimilar properties. This amino acid position is conserved. In addition, this alteration is predicted to be tolerated by in silico analysis. Based on the available evidence, the clinical significance of this variant remains unclear.

NM_022051.3(EGLN1):c.308C>A (p.Ala103Asp)

Gene: EGLN1 (egl-9 family hypoxia inducible factor 1; minus strand). Cytogenetic location: 1q42.2.
Variant type: single nucleotide variant.
Coding change: c.308C>A on transcript NM_022051.3 (MANE Select); coding-DNA position 308, C replaced by A.
Protein change: p.Ala103Asp; replaces alanine 103 with aspartic acid.
Molecular consequence: missense variant.
Genome position (GRCh38, 1-based): chr1:231,421,581, G>T on the plus strand (C>A on the coding strand, the complement: EGLN1 is on the minus strand). VCF-style: chr1-231421581-G-T. GRCh37 (hg19) VCF-style: chr1-231557327-G-T.
Other names: c.308C>A, p.Ala103Asp (NM_001377260.1, NM_001377261.1); short protein forms A103D.
Identifiers: ClinVar variation 3507201 (VCV003507201.1).